The following is an entry in ClinVar:

ClinVar aggregate classification (germline): Likely benign (0 of 4 stars; one submission).

Conditions:
ANK1-related disorder. Also called: ANK1-related condition.

Submission:

PreventionGenetics, part of Exact Sciences
Classification: Likely benign for ANK1-related condition. Last evaluated: 2020-01-31. Review status: no assertion criteria provided. Collection method: clinical testing. Allele origin: germline.
Comment: This variant is classified as likely benign based on ACMG/AMP sequence variant interpretation guidelines (Richards et al. 2015 PMID: 25741868, with internal and published modifications).

NM_000037.4(ANK1):c.327+5T>G

Gene: ANK1 (ankyrin 1; minus strand). Cytogenetic location: 8p11.21.
Variant type: single nucleotide variant.
Coding change: c.327+5T>G on transcript NM_000037.4 (MANE Select); 5 bases into the intron after coding-DNA position 327, T replaced by G.
Molecular consequence: intron variant.
Genome position (GRCh38, 1-based): chr8:41,727,903, A>C on the plus strand (T>G on the coding strand, the complement: ANK1 is on the minus strand). VCF-style: chr8-41727903-A-C. GRCh37 (hg19) VCF-style: chr8-41585421-A-C.
Other names: c.426+5T>G (NM_001142446.2); c.327+5T>G (NM_020477.3, NM_020475.3, NM_020476.3).
Identifiers: ClinVar variation 3052162 (VCV003052162.2), dbSNP rs1452508244, ClinGen allele CA2579153446.